The following is an entry in ClinVar:

NM_001080421.3(UNC13A):c.4384G>A (p.Val1462Ile)

Gene: UNC13A (unc-13 homolog A; minus strand). Cytogenetic location: 19p13.11.
Variant type: single nucleotide variant.
Coding change: c.4384G>A on transcript NM_001080421.3 (MANE Select); coding-DNA position 4384, G replaced by A.
Protein change: p.Val1462Ile; replaces valine 1462 with isoleucine.
Molecular consequence: missense variant.
Genome position (GRCh38, 1-based): chr19:17,618,447, C>T on the plus strand (G>A on the coding strand, the complement: UNC13A is on the minus strand). VCF-style: chr19-17618447-C-T. GRCh37 (hg19) VCF-style: chr19-17729256-C-T.
Other names: c.4372G>A, p.Val1458Ile (NM_001387021.1); c.4369G>A, p.Val1457Ile (NM_001387022.1); c.4303G>A, p.Val1435Ile (NM_001387023.1); short protein forms V1435I, V1457I, V1458I, V1462I.
Identifiers: ClinVar variation 3350538 (VCV003350538.2).

ClinVar aggregate classification (germline): Uncertain significance (1 of 4 stars; one submission).

Conditions:
UNC13A-related disorder. Also called: UNC13A-related condition.

gnomAD v4.1: 26 of 1,589,434 alleles (0.0016%); highest among the groups gnomAD compares: Non-Finnish European, 0.0022%; no homozygotes.

Submission:

PreventionGenetics, part of Exact Sciences
Classification: Uncertain significance for UNC13A-related condition. Last evaluated: 2025-08-25. Review status: criteria provided, single submitter. Criteria: ACMG Guidelines, 2015. Collection method: clinical testing. Allele origin: germline.
Comment: The UNC13A c.4384G>A variant is predicted to result in the amino acid substitution p.Val1462Ile. To our knowledge, this variant has not been reported in the literature. This variant is reported in 0.0097% of alleles in individuals of European (non-Finnish) descent in gnomAD. Statistical evidence in gnomAD suggests the UNC13A variant is intolerant of missense variation. At this time, the clinical significance of this variant is uncertain due to the absence of conclusive functional and genetic evidence.